The following is an entry in ClinVar:

ClinVar aggregate classification (germline): Uncertain significance (1 of 4 stars; one submission).

Conditions:
Seizures, benign familial infantile, 3 (BFIS3). Also called: CONVULSIONS, BENIGN FAMILIAL INFANTILE, 3; Familial neonatal seizures. Identifiers: Orphanet 140927, Orphanet 306, MedGen C1843140, MONDO:0011904, OMIM 607745.
Developmental and epileptic encephalopathy, 11 (DEE11). Also called: Early infantile epileptic encephalopathy 11. Identifiers: Orphanet 1934, MedGen C3150987, MONDO:0013388, OMIM 613721.

Allele frequency attached by ClinVar (database versions not stated): gnomAD exomes below 0.00001.
gnomAD v4.1: 1 of 1,614,154 alleles (0.000062%); highest among the groups gnomAD compares: Non-Finnish European, 0.000085%; no homozygotes.

Submission:

Labcorp Genetics (formerly Invitae), Labcorp
Classification: Uncertain significance for Seizures, benign familial infantile, 3; Developmental and epileptic encephalopathy, 11. Last evaluated: 2022-03-27. Review status: criteria provided, single submitter. Criteria: Invitae Variant Classification Sherloc (09022015). Collection method: clinical testing. Allele origin: germline.
Comment: In summary, the available evidence is currently insufficient to determine the role of this variant in disease. Therefore, it has been classified as a Variant of Uncertain Significance. Algorithms developed to predict the effect of missense changes on protein structure and function are either unavailable or do not agree on the potential impact of this missense change (SIFT: "Deleterious"; PolyPhen-2: "Probably Damaging"; Align-GVGD: "Class C0"). This variant has not been reported in the literature in individuals affected with SCN2A-related conditions. This variant is not present in population databases (gnomAD no frequency). This sequence change replaces cysteine, which is neutral and slightly polar, with arginine, which is basic and polar, at codon 1182 of the SCN2A protein (p.Cys1182Arg).

NM_001040142.2(SCN2A):c.3544T>C (p.Cys1182Arg)

Gene: SCN2A (sodium voltage-gated channel alpha subunit 2; plus strand). Cytogenetic location: 2q24.3.
Variant type: single nucleotide variant.
Coding change: c.3544T>C on transcript NM_001040142.2 (MANE Select); coding-DNA position 3544, T replaced by C.
Protein change: p.Cys1182Arg; replaces cysteine 1182 with arginine.
Molecular consequence: missense variant.
Genome position (GRCh38, 1-based): chr2:165,367,240, T>C. VCF-style: chr2-165367240-T-C. GRCh37 (hg19) VCF-style: chr2-166223750-T-C.
Other names: c.3544T>C, p.Cys1182Arg (NM_001040143.2, NM_001371246.1, NM_001371247.1 and 1 more transcripts); short protein forms C1182R.
Identifiers: ClinVar variation 2118004 (VCV002118004.4), dbSNP rs2468070100, ClinGen allele CA349025815.
Genomic context (GRCh38, chr2:165,367,240, plus strand): 5'-TAATTTTTTGTCTTCATTTTTTTCCCACATATTTTAGACTGTGTACGGAAGTTCAAGTGT[T>C]GTCAGATAAGCATAGAAGAAGGCAAAGGGAAACTCTGGTGGAATTTGAGGAAAACATGCT-3'
Protein context (NP_001035232.1, residues 1172-1192): TEDCVRKFKC[Cys1182Arg]QISIEEGKGK